The following is an entry in ClinVar:

NM_001376.5(DYNC1H1):c.10893C>T (p.Asn3631=)

Gene: DYNC1H1 (dynein cytoplasmic 1 heavy chain 1; plus strand). Cytogenetic location: 14q32.31.
Variant type: single nucleotide variant.
Coding change: c.10893C>T on transcript NM_001376.5 (MANE Select); coding-DNA position 10893, C replaced by T.
Protein change: p.Asn3631=; no amino-acid change (asparagine 3631 retained).
Molecular consequence: synonymous variant.
Genome position (GRCh38, 1-based): chr14:102,036,627, C>T. VCF-style: chr14-102036627-C-T. GRCh37 (hg19) VCF-style: chr14-102502964-C-T.
Identifiers: ClinVar variation 4292890 (VCV004292890.3).

ClinVar aggregate classification (germline): Conflicting classifications of pathogenicity. Review status: criteria provided, conflicting classifications (1 of 4 stars). 3 submissions from 3 submitters: Uncertain significance (2); Likely benign (1). Last evaluated 2025-06-22.

Conditions:
Cortical dysplasia, complex, with other brain malformations 13. Also called: Intellectual disability, autosomal dominant 13. Identifiers: MedGen C3281202, MONDO:0013805, OMIM 614563.
DYNC1H1-related disorder. Also called: DYNC1H1-related condition; DYNC1H1-related disorders. Identifiers: MedGen CN381529.
Charcot-Marie-Tooth disease axonal type 2O. Also called: CHARCOT-MARIE-TOOTH NEUROPATHY, AXONAL, TYPE 2O; CHARCOT-MARIE-TOOTH DISEASE, AXONAL, AUTOSOMAL DOMINANT, TYPE 2O; Charcot-Marie-Tooth Neuropathy Type 2O; Charcot-Marie-Tooth disease, axonal, type 20. Identifiers: Orphanet 284232, MedGen C3280220, MONDO:0013644, OMIM 614228.

Submissions (3):

Labcorp Genetics (formerly Invitae), Labcorp
Classification: Likely benign for Charcot-Marie-Tooth disease axonal type 2O. Last evaluated: 2025-06-22. Review status: criteria provided, single submitter. Criteria: Invitae Variant Classification Sherloc (09022015). Collection method: clinical testing. Allele origin: germline.

PreventionGenetics, part of Exact Sciences
Classification: Uncertain significance for DYNC1H1-related condition. Last evaluated: 2025-03-13. Review status: criteria provided, single submitter. Criteria: ACMG Guidelines, 2015. Collection method: clinical testing. Allele origin: germline.
Comment: The DYNC1H1 c.10893C>T variant is not predicted to result in an amino acid change (p.=). Splicing prediction programs suggest that this variant may slightly interfere with splicing (SpliceAI, Jaganathan et al. 2019. PubMed ID: 30661751). To our knowledge, this variant has not been reported in the literature or in a large population database (gnomAD), indicating this variant is rare. At this time, the clinical significance of this variant is uncertain due to the absence of conclusive functional and genetic evidence.

3billion
Classification: Uncertain significance for Cortical dysplasia, complex, with other brain malformations 13. Last evaluated: 2024-10-15. Review status: criteria provided, single submitter. Criteria: ACMG Guidelines, 2015. Collection method: clinical testing. Allele origin: germline. Affected: yes.
Comment: The variant is not observed in the gnomAD v4.0.0 dataset. Predicted Consequence/Location: Synonymous variant In silico tools predict the variant to alter splicing and produce an abnormal transcript [SpliceAI: 0.26 (>=0.2, moderate evidence for spliceogenicity)]. Therefore, this variant is classified as VUS according to the recommendation of ACMG/AMP guideline.